The following is an entry in ClinVar:

ClinVar aggregate classification (germline): Conflicting classifications of pathogenicity. Review status: criteria provided, conflicting classifications (1 of 4 stars). 3 submissions from 3 submitters: Uncertain significance (1); Likely benign (2). Last evaluated 2025-12-09.

Conditions:
Cardiovascular phenotype. Identifiers: MedGen CN230736.
RASopathy. Also called: rasopathies; Noonan spectrum disorder. Identifiers: Orphanet 536391, MedGen C5555857, MONDO:0021060.

Allele frequency attached by ClinVar (database versions not stated): gnomAD 0.00003; TOPMed 0.00005.
gnomAD v4.1: 17 of 1,613,642 alleles (0.0011%); highest among the groups gnomAD compares: Admixed American, 0.0083%; no homozygotes.

Submissions (3):

Labcorp Genetics (formerly Invitae), Labcorp
Classification: Likely benign for RASopathy. Last evaluated: 2025-12-09. Review status: criteria provided, single submitter. Criteria: Invitae Variant Classification Sherloc (09022015). Collection method: clinical testing. Allele origin: germline.

Ambry Genetics
Classification: Uncertain significance for Cardiovascular phenotype. Last evaluated: 2022-01-17. Review status: criteria provided, single submitter. Criteria: Ambry Variant Classification Scheme 2023. Collection method: clinical testing. Allele origin: germline.
Comment: The p.G1268S variant (also known as c.3802G>A), located in coding exon 23 of the SOS1 gene, results from a G to A substitution at nucleotide position 3802. The glycine at codon 1268 is replaced by serine, an amino acid with similar properties. This amino acid position is conserved. In addition, this alteration is predicted to be tolerated by in silico analysis. Since supporting evidence is limited at this time, the clinical significance of this alteration remains unclear.

GeneDx
Classification: Likely benign. Last evaluated: 2015-07-20. Review status: criteria provided, single submitter. Criteria: GeneDx Variant Classification (06012015). Collection method: clinical testing. Allele origin: germline. Affected: yes.
Comment: This variant is considered likely benign or benign based on one or more of the following criteria: it is a conservative change, it occurs at a poorly conserved position in the protein, it is predicted to be benign by multiple in silico algorithms, and/or has population frequency not consistent with disease.

NM_005633.4(SOS1):c.3802G>A (p.Gly1268Ser)

Gene: SOS1 (SOS Ras/Rac guanine nucleotide exchange factor 1; minus strand). Cytogenetic location: 2p22.1.
Variant type: single nucleotide variant.
Coding change: c.3802G>A on transcript NM_005633.4 (MANE Select); coding-DNA position 3802, G replaced by A.
Protein change: p.Gly1268Ser; replaces glycine 1268 with serine.
Molecular consequence: missense variant.
Genome position (GRCh38, 1-based): chr2:38,986,024, C>T on the plus strand (G>A on the coding strand, the complement: SOS1 is on the minus strand). VCF-style: chr2-38986024-C-T. GRCh37 (hg19) VCF-style: chr2-39213165-C-T.
Other names: p.G1268S:GGC>AGC; c.3781G>A, p.Gly1261Ser (NM_001382394.1); c.3757G>A, p.Gly1253Ser (NM_001382395.1); short protein forms G1268S, G1253S, G1261S.
Identifiers: ClinVar variation 40737 (VCV000040737.11), dbSNP rs730881051, ClinGen allele CA297286.